The following is an entry in ClinVar:

NM_001145809.2(MYH14):c.2334C>A (p.Leu778=)

Gene: MYH14 (myosin heavy chain 14; plus strand). Cytogenetic location: 19q13.33.
Variant type: single nucleotide variant.
Coding change: c.2334C>A on transcript NM_001145809.2 (MANE Select); coding-DNA position 2334, C replaced by A.
Protein change: p.Leu778=; no amino-acid change (leucine 778 retained).
Molecular consequence: synonymous variant.
Genome position (GRCh38, 1-based): chr19:50,259,245, C>A. VCF-style: chr19-50259245-C-A. GRCh37 (hg19) VCF-style: chr19-50762502-C-A.
Other names: c.2235C>A, p.Leu745= (NM_001077186.2); c.2211C>A, p.Leu737= (NM_024729.4).
Identifiers: ClinVar variation 164179 (VCV000164179.17), dbSNP rs190941610, ClinGen allele CA176887.
Genomic context (GRCh38, chr19:50,259,245, plus strand): 5'-CTGCAACGGGGTCCTGGAGGGCATCCGCATCTGTCGCCAGGGCTTCCCCAACCGCATCCT[C>A]TTCCAGGAGTTCCGGCAGCGGTGAGCTAGAGCGAGGGCCCAGGCCCGGCGGAGGGGCTGG-3'
Protein context (NP_001139281.1, residues 768-788): ICRQGFPNRI[Leu778=]FQEFRQRYEI

ClinVar aggregate classification (germline): Benign/Likely benign. Review status: criteria provided, multiple submitters, no conflicts (2 of 4 stars). 6 submissions from 6 submitters: Benign (1); Likely benign (4). 1 of the submissions does not count toward it. Last evaluated 2025-04-21.

Conditions:
Autosomal dominant nonsyndromic hearing loss 4A. Also called: Deafness, autosomal dominant 4A. Identifiers: Orphanet 90635, MedGen C1833503, MONDO:0010915, OMIM 600652.
MYH14-related disorder. Also called: MYH14-related condition.

Allele frequency attached by ClinVar (database versions not stated): ExAC 0.00032; 1000 Genomes Project 0.00120; gnomAD 0.00006 and 0.00015; TOPMed 0.00009; gnomAD exomes 0.00019; 1000 Genomes Project 30x 0.00141.
gnomAD v4.1: 134 of 1,586,638 alleles (0.0084%); highest among the groups gnomAD compares: East Asian, 0.087%; no homozygotes.

Submissions (6):

Labcorp Genetics (formerly Invitae), Labcorp
Classification: Benign. Last evaluated: 2025-04-21. Review status: criteria provided, single submitter. Criteria: Invitae Variant Classification Sherloc (09022015). Collection method: clinical testing. Allele origin: germline.

Blueprint Genetics
Classification: Likely benign. Last evaluated: 2024-02-12. Review status: criteria provided, single submitter. Criteria: ACMG Guidelines, 2015. Collection method: clinical testing. Allele origin: germline.

GeneDx
Classification: Likely benign. Last evaluated: 2019-06-28. Review status: criteria provided, single submitter. Criteria: GeneDx Variant Classification Process June 2021. Collection method: clinical testing. Allele origin: germline. Affected: yes.

Illumina Laboratory Services, Illumina
Classification: Likely benign for Autosomal dominant nonsyndromic hearing loss 4A. Last evaluated: 2018-01-12. Review status: criteria provided, single submitter. Criteria: ICSL Variant Classification Criteria 13 December 2019. Collection method: clinical testing. Allele origin: germline.
Comment: This variant was observed in the ICSL laboratory as part of a predisposition screen in an ostensibly healthy population. It had not been previously curated by ICSL or reported in the Human Gene Mutation Database (HGMD: prior to June 1st, 2018), and was therefore a candidate for classification through an automated scoring system. Utilizing variant allele frequency, disease prevalence and penetrance estimates, and inheritance mode, an automated score was calculated to assess if this variant is too frequent to cause the disease. Based on the score and internal cut-off values, a variant classified as likely benign is not then subjected to further curation. The score for this variant resulted in a classification of likely benign for this disease.

Laboratory for Molecular Medicine, Mass General Brigham Personalized Medicine
Classification: Likely benign. Last evaluated: 2013-10-05. Review status: criteria provided, single submitter. Criteria: LMM Criteria. Collection method: clinical testing. Allele origin: germline. Observed: 1 variant allele.
Comment: Leu778Leu in Exon 19 of MYH14: This variant is not expected to have clinical sig nificance because it does not alter an amino acid residue and is not located wit hin the splice consensus sequence. It has been identified in 1/200 or 0.5% South ern Han Chinese chromosomes from a broad population screened by the 1000 Genomes Project (dbSNP rs190941610).

PreventionGenetics, part of Exact Sciences
Classification: Likely benign for MYH14-related condition. Last evaluated: 2024-08-05. Review status: no assertion criteria provided. Collection method: clinical testing. Allele origin: germline. Not counted in ClinVar's aggregate classification.
Comment: This variant is classified as likely benign based on ACMG/AMP sequence variant interpretation guidelines (Richards et al. 2015 PMID: 25741868, with internal and published modifications).